The following is an entry in ClinVar:

ClinVar aggregate classification (germline): Uncertain significance (1 of 4 stars; one submission).

Conditions:
Early Myoclonic Encephalopathy. Identifiers: MedGen C0270855.

Submission:

Labcorp Genetics (formerly Invitae), Labcorp
Classification: Uncertain significance for Early Myoclonic Encephalopathy. Last evaluated: 2023-06-02. Review status: criteria provided, single submitter. Criteria: Invitae Variant Classification Sherloc (09022015). Collection method: clinical testing. Allele origin: germline.
Comment: In summary, the available evidence is currently insufficient to determine the role of this variant in disease. Therefore, it has been classified as a Variant of Uncertain Significance. Advanced modeling of protein sequence and biophysical properties (such as structural, functional, and spatial information, amino acid conservation, physicochemical variation, residue mobility, and thermodynamic stability) performed at Invitae indicates that this missense variant is expected to disrupt JMJD1C protein function. ClinVar contains an entry for this variant (Variation ID: 1006237). This variant has not been reported in the literature in individuals affected with JMJD1C-related conditions. This variant is not present in population databases (gnomAD no frequency). This sequence change replaces histidine, which is basic and polar, with asparagine, which is neutral and polar, at codon 745 of the JMJD1C protein (p.His745Asn).

NM_032776.3(JMJD1C):c.2233C>A (p.His745Asn)

Gene: JMJD1C (jumonji domain containing 1C; minus strand). Cytogenetic location: 10q21.3.
Variant type: single nucleotide variant.
Coding change: c.2233C>A on transcript NM_032776.3 (MANE Select); coding-DNA position 2233, C replaced by A.
Protein change: p.His745Asn; replaces histidine 745 with asparagine.
Molecular consequence: missense variant. On other transcripts: non-coding transcript variant (1).
Genome position (GRCh38, 1-based): chr10:63,213,934, G>T on the plus strand (C>A on the coding strand, the complement: JMJD1C is on the minus strand). VCF-style: chr10-63213934-G-T. GRCh37 (hg19) VCF-style: chr10-64973694-G-T.
Other names: c.1687C>A, p.His563Asn (NM_001282948.2, NM_001318154.2); c.1369C>A, p.His457Asn (NM_001318153.2); c.2119C>A, p.His707Asn (NM_001322252.2); c.1576C>A, p.His526Asn (NM_001322254.2, NM_001322258.2); short protein forms H457N, H526N, H563N, H707N, H745N.
Identifiers: ClinVar variation 1006237 (VCV001006237.7), dbSNP rs767833843, ClinGen allele CA377046409.